The following is an entry in ClinVar:

NM_015474.4(SAMHD1):c.*288A>G

Genes: SAMHD1 (SAM and HD domain containing deoxynucleoside triphosphate triphosphohydrolase 1; minus strand), TLDC2 (TBC/LysM-associated domain containing 2; plus strand). Cytogenetic location: 20q11.23.
Variant type: single nucleotide variant.
Coding change: c.*288A>G on transcript NM_015474.4 (MANE Select); 288 bases downstream of the stop codon, A replaced by G.
Molecular consequence: 3 prime UTR variant. On other transcripts: intron variant (2).
Genome position (GRCh38, 1-based): chr20:36,892,644, T>C on the plus strand (A>G on the coding strand, the complement: SAMHD1 is on the minus strand). VCF-style: chr20-36892644-T-C. GRCh37 (hg19) VCF-style: chr20-35521047-T-C.
Other names: c.*288A>G (NM_001363729.2); c.*18-218T>C (NM_001304783.1, NM_080628.3).
Identifiers: ClinVar variation 338334 (VCV000338334.5), dbSNP rs114791229, ClinGen allele CA10653100.

ClinVar aggregate classification (germline): Benign. Review status: criteria provided, single submitter (1 of 4 stars). 2 submissions from 1 submitter: Benign (2). Last evaluated 2018-01-12.

Conditions:
Aicardi-Goutieres syndrome 5. Identifiers: Orphanet 51, MedGen C2749659, MONDO:0013059, OMIM 612952.
Chilblain lupus 2 (CHBL2). Identifiers: MedGen C3280721, MONDO:0013739, OMIM 614415.

Allele frequency attached by ClinVar (database versions not stated): gnomAD exomes 0.00107; gnomAD 0.00467 and 0.00502; TOPMed 0.00512; 1000 Genomes Project 0.00519; 1000 Genomes Project 30x 0.00578.
gnomAD v4.1: 1,012 of 415,224 alleles (0.24%); highest among the groups gnomAD compares: African/African-American, 1.3%; 3 homozygotes.

Submissions (2):

Illumina Laboratory Services, Illumina
Classification: Benign for Chilblain lupus 2. Last evaluated: 2018-01-12. Review status: criteria provided, single submitter. Criteria: ICSL Variant Classification Criteria 13 December 2019. Collection method: clinical testing. Allele origin: germline.
Comment: This variant was observed in the ICSL laboratory as part of a predisposition screen in an ostensibly healthy population. It had not been previously curated by ICSL or reported in the Human Gene Mutation Database (HGMD: prior to June 1st, 2018), and was therefore a candidate for classification through an automated scoring system. Utilizing variant allele frequency, disease prevalence and penetrance estimates, and inheritance mode, an automated score was calculated to assess if this variant is too frequent to cause the disease. Based on the score and internal cut-off values, a variant classified as benign is not then subjected to further curation. The score for this variant resulted in a classification of benign for this disease.

Illumina Laboratory Services, Illumina
Classification: Benign for Aicardi-Goutieres syndrome 5. Last evaluated: 2018-01-12. Review status: criteria provided, single submitter. Criteria: ICSL Variant Classification Criteria 13 December 2019. Collection method: clinical testing. Allele origin: germline.
Comment: the same text as in the submission from Illumina Laboratory Services, Illumina above.